The following is an entry in ClinVar:

NM_016151.4(TAOK2):c.1633C>T (p.Arg545Trp)

Gene: TAOK2 (TAO kinase 2; plus strand). Cytogenetic location: 16p11.2.
Variant type: single nucleotide variant.
Coding change: c.1633C>T on transcript NM_016151.4 (MANE Select); coding-DNA position 1633, C replaced by T.
Protein change: p.Arg545Trp; replaces arginine 545 with tryptophan.
Molecular consequence: missense variant.
Genome position (GRCh38, 1-based): chr16:29,985,423, C>T. VCF-style: chr16-29985423-C-T. GRCh37 (hg19) VCF-style: chr16-29996744-C-T.
Other names: c.1633C>T, p.Arg545Trp (NM_001252043.2, NM_004783.4); short protein forms R545W.
Identifiers: ClinVar variation 2067331 (VCV002067331.4), dbSNP rs376979156, ClinGen allele CA395485980.
Genomic context (GRCh38, chr16:29,985,423, plus strand): 5'-CAGCGGGAGCTTGAGGCGCAGCGGGCTGGCTTTGGGGCAGAGGCAGAAAAGCTGGCCCGG[C>T]GGCACCAGGCCATAGGTGAGAAGGAGGCACGAGCTGCCCAGGCCGAGGAGCGGAAGTTCC-3'
Protein context (NP_057235.2, residues 535-555): FGAEAEKLAR[Arg545Trp]HQAIGEKEAR

ClinVar aggregate classification (germline): Uncertain significance (1 of 4 stars; one submission).

gnomAD v4.1: 2 of 1,607,718 alleles (0.00012%); highest among the groups gnomAD compares: Non-Finnish European, 0.00017%; no homozygotes.

Submission:

Labcorp Genetics (formerly Invitae), Labcorp
Classification: Uncertain significance. Last evaluated: 2021-12-31. Review status: criteria provided, single submitter. Criteria: Invitae Variant Classification Sherloc (09022015). Collection method: clinical testing. Allele origin: germline.
Comment: In summary, the available evidence is currently insufficient to determine the role of this variant in disease. Therefore, it has been classified as a Variant of Uncertain Significance. Algorithms developed to predict the effect of missense changes on protein structure and function are either unavailable or do not agree on the potential impact of this missense change (SIFT: "Deleterious"; PolyPhen-2: "Probably Damaging"; Align-GVGD: "Class C0"). This variant has not been reported in the literature in individuals affected with TAOK2-related conditions. This variant is not present in population databases (gnomAD no frequency). This sequence change replaces arginine, which is basic and polar, with tryptophan, which is neutral and slightly polar, at codon 545 of the TAOK2 protein (p.Arg545Trp).